The following is an entry in ClinVar:

ClinVar aggregate classification (germline): Uncertain significance. Review status: criteria provided, multiple submitters, no conflicts (2 of 4 stars). 2 submissions from 2 submitters: Uncertain significance (2). Last evaluated 2024-03-19.

Conditions:
Hereditary cancer-predisposing syndrome. Also called: Tumor predisposition; Hereditary neoplastic syndrome; Hereditary Cancer Syndrome; Neoplastic Syndromes, Hereditary. Identifiers: Orphanet 140162, MedGen C0027672, MeSH D009386, MONDO:0015356.
Neuroblastoma, susceptibility to, 3. Also called: ALK-Related Neuroblastic Tumor Susceptibility. Identifiers: Orphanet 635, MedGen C2751681, MONDO:0013083, OMIM 613014.

Submissions (2):

Labcorp Genetics (formerly Invitae), Labcorp
Classification: Uncertain significance for Neuroblastoma, susceptibility to, 3. Last evaluated: 2024-03-19. Review status: criteria provided, single submitter. Criteria: Invitae Variant Classification Sherloc (09022015). Collection method: clinical testing. Allele origin: germline.
Comment: This sequence change replaces serine, which is neutral and polar, with glycine, which is neutral and non-polar, at codon 426 of the ALK protein (p.Ser426Gly). This variant is not present in population databases (gnomAD no frequency). This variant has not been reported in the literature in individuals affected with ALK-related conditions. ClinVar contains an entry for this variant (Variation ID: 1447493). An algorithm developed to predict the effect of missense changes on protein structure and function (PolyPhen-2) suggests that this variant is likely to be disruptive. In summary, the available evidence is currently insufficient to determine the role of this variant in disease. Therefore, it has been classified as a Variant of Uncertain Significance.

Ambry Genetics
Classification: Uncertain significance for Hereditary cancer-predisposing syndrome. Last evaluated: 2024-02-20. Review status: criteria provided, single submitter. Criteria: Ambry Variant Classification Scheme 2023. Collection method: clinical testing. Allele origin: germline.
Comment: The p.S426G variant (also known as c.1276A>G), located in coding exon 5 of the ALK gene, results from an A to G substitution at nucleotide position 1276. The serine at codon 426 is replaced by glycine, an amino acid with similar properties. This amino acid position is conserved. In addition, this alteration is predicted to be tolerated by in silico analysis. Based on the available evidence, the clinical significance of this alteration remains unclear.

NM_004304.5(ALK):c.1276A>G (p.Ser426Gly)

Gene: ALK (ALK receptor tyrosine kinase; minus strand). Cytogenetic location: 2p23.2.
Variant type: single nucleotide variant.
Coding change: c.1276A>G on transcript NM_004304.5 (MANE Select); coding-DNA position 1276, A replaced by G.
Protein change: p.Ser426Gly; replaces serine 426 with glycine.
Molecular consequence: missense variant.
Genome position (GRCh38, 1-based): chr2:29,383,738, T>C on the plus strand (A>G on the coding strand, the complement: ALK is on the minus strand). VCF-style: chr2-29383738-T-C. GRCh37 (hg19) VCF-style: chr2-29606604-T-C.
Other names: c.1276A>G (NM_004304.4); short protein forms S426G.
Identifiers: ClinVar variation 1447493 (VCV001447493.9), dbSNP rs1558300778, ClinGen allele CA346585025.